The following is an entry in ClinVar:

NM_001261826.3(AP3D1):c.806+22T>C

Gene: AP3D1 (adaptor related protein complex 3 subunit delta 1; minus strand). Cytogenetic location: 19p13.3.
Variant type: single nucleotide variant.
Coding change: c.806+22T>C on transcript NM_001261826.3 (MANE Select); 22 bases into the intron after coding-DNA position 806, T replaced by C.
Molecular consequence: intron variant.
Genome position (GRCh38, 1-based): chr19:2,129,068, A>G on the plus strand (T>C on the coding strand, the complement: AP3D1 is on the minus strand). VCF-style: chr19-2129068-A-G. GRCh37 (hg19) VCF-style: chr19-2129067-A-G.
Other names: c.806+22T>C (NM_003938.8, NM_001374799.1).
Identifiers: ClinVar variation 1230027 (VCV001230027.6), dbSNP rs142361260, ClinGen allele CA304169891.

ClinVar aggregate classification (germline): Benign. Review status: criteria provided, multiple submitters, no conflicts (2 of 4 stars). 3 submissions from 3 submitters: Benign (3). Last evaluated 2023-11-12.

Allele frequency attached by ClinVar (database versions not stated): gnomAD exomes 0.05861 and 0.10298; gnomAD 0.09859 and 0.10103; ESP Exome Variant Server 0.13111; TOPMed 0.14969; 1000 Genomes Project 0.15915.
gnomAD v4.1: 63,526 of 1,204,096 alleles (5.3%); highest among the groups gnomAD compares: Admixed American, 13%; 4,686 homozygotes.

Submissions (3):

Unidad de Genómica Garrahan, Hospital de Pediatría Garrahan
Classification: Benign. Last evaluated: 2023-11-12. Review status: criteria provided, single submitter. Criteria: ACMG Guidelines, 2015. Collection method: clinical testing. Allele origin: germline. Affected: no. Observed: 30 variant alleles.
Comment: This variant is classified as Benign based on local population frequency. This variant was detected in 31% of patients studied by a panel of primary immunodeficiencies. Number of patients: 30. Only high quality variants are reported.

GeneDx
Classification: Benign. Last evaluated: 2018-11-27. Review status: criteria provided, single submitter. Criteria: GeneDx Variant Classification Process June 2021. Collection method: clinical testing. Allele origin: germline. Affected: yes.

Breakthrough Genomics
Classification: Benign. Review status: criteria provided, single submitter. Criteria: ACMG Guidelines, 2015. Collection method: not provided. Allele origin: germline. Inheritance: Autosomal recessive inheritance. Affected: yes.